The following is an entry in ClinVar:

NM_004792.3(PPIG):c.693A>G (p.Lys231=)

Gene: PPIG (peptidylprolyl isomerase G; plus strand). Cytogenetic location: 2q31.1.
Variant type: single nucleotide variant.
Coding change: c.693A>G on transcript NM_004792.3 (MANE Select); coding-DNA position 693, A replaced by G.
Protein change: p.Lys231=; no amino-acid change (lysine 231 retained).
Molecular consequence: synonymous variant.
Genome position (GRCh38, 1-based): chr2:169,630,919, A>G. VCF-style: chr2-169630919-A-G. GRCh37 (hg19) VCF-style: chr2-170487429-A-G.
Identifiers: ClinVar variation 2651529 (VCV002651529.24), dbSNP rs141485021, ClinGen allele CA1957790.
Genomic context (GRCh38, chr2:169,630,919, plus strand): 5'-GTCCTCTTCTGATTCCTCTGATTCCGAAAGTGCTACTGAAGAGAAATCAAAGAAAAGAAA[A>G]AAGAAACATCGGAAAAATTCCCGAAAACACAAGAAAGAAAAGAAAAAGCGAAAGAAAAGC-3'
Protein context (NP_004783.2, residues 221-241): SATEEKSKKR[Lys231=]KKHRKNSRKH

ClinVar aggregate classification (germline): Likely benign (1 of 4 stars; one submission).

Allele frequency attached by ClinVar (database versions not stated): 1000 Genomes Project 30x 0.00016; 1000 Genomes Project 0.00020; gnomAD 0.00120; TOPMed 0.00121; ExAC 0.00136; ESP Exome Variant Server 0.00148; gnomAD exomes 0.00161.
gnomAD v4.1: 2,521 of 1,603,666 alleles (0.16%); highest among the groups gnomAD compares: Middle Eastern, 0.33%; 5 homozygotes.

Submission:

CeGaT Center for Human Genetics Tuebingen
Classification: Likely benign. Last evaluated: 2022-11-01. Review status: criteria provided, single submitter. Criteria: CeGaT Center For Human Genetics Tuebingen Variant Classification Criteria Version 2. Collection method: clinical testing. Allele origin: germline. Affected: yes. Observed: 1 variant allele.
Comment: PPIG: BP4, BP7